The following is an entry in ClinVar:

NM_000136.3(FANCC):c.389A>T (p.Glu130Val)

Gene: FANCC (FA complementation group C; minus strand). Cytogenetic location: 9q22.32.
Variant type: single nucleotide variant.
Coding change: c.389A>T on transcript NM_000136.3 (MANE Select); coding-DNA position 389, A replaced by T.
Protein change: p.Glu130Val; replaces glutamic acid 130 with valine.
Molecular consequence: missense variant.
Genome position (GRCh38, 1-based): chr9:95,172,104, T>A on the plus strand (A>T on the coding strand, the complement: FANCC is on the minus strand). VCF-style: chr9-95172104-T-A. GRCh37 (hg19) VCF-style: chr9-97934386-T-A.
Other names: c.389A>T, p.Glu130Val (NM_001243743.2, NM_001243744.2); short protein forms E130V.
Identifiers: ClinVar variation 1735976 (VCV001735976.3), dbSNP rs1313861233, ClinGen allele CA374338830.

ClinVar aggregate classification (germline): Uncertain significance (1 of 4 stars; one submission).

Conditions:
Hereditary cancer-predisposing syndrome. Also called: Neoplastic Syndromes, Hereditary; Tumor predisposition; Hereditary Cancer Syndrome; Hereditary neoplastic syndrome. Identifiers: Orphanet 140162, MedGen C0027672, MeSH D009386, MONDO:0015356.

Submission:

Ambry Genetics
Classification: Uncertain significance for Hereditary cancer-predisposing syndrome. Last evaluated: 2025-09-22. Review status: criteria provided, single submitter. Criteria: Ambry Variant Classification Scheme 2023. Collection method: clinical testing. Allele origin: germline.
Comment: The p.E130V variant (also known as c.389A>T), located in coding exon 4 of the FANCC gene, results from an A to T substitution at nucleotide position 389. The glutamic acid at codon 130 is replaced by valine, an amino acid with dissimilar properties. This amino acid position is conserved. In addition, this alteration is predicted to be deleterious by in silico analysis. Since supporting evidence is limited at this time, the clinical significance of this alteration remains unclear.